The following is an entry in ClinVar:

ClinVar aggregate classification (germline): Uncertain significance (1 of 4 stars; one submission).

Conditions:
Inborn genetic diseases. Identifiers: MedGen C0950123, MeSH D030342.

Allele frequency attached by ClinVar (database versions not stated): gnomAD exomes below 0.00001.
gnomAD v4.1: 1 of 1,613,248 alleles (0.000062%); highest among the groups gnomAD compares: South Asian, 0.0011%; no homozygotes.

Submission:

Ambry Genetics
Classification: Uncertain significance for Inborn genetic diseases. Last evaluated: 2024-03-09. Review status: criteria provided, single submitter. Criteria: Ambry Variant Classification Scheme 2023. Collection method: clinical testing. Allele origin: germline.
Comment: The p.P1857L variant (also known as c.5570C>T), located in coding exon 38 of the LRRK2 gene, results from a C to T substitution at nucleotide position 5570. The proline at codon 1857 is replaced by leucine, an amino acid with similar properties. This amino acid position is conserved. In addition, the in silico prediction for this alteration is inconclusive. Based on the available evidence, the clinical significance of this alteration remains unclear.

NM_198578.4(LRRK2):c.5570C>T (p.Pro1857Leu)

Gene: LRRK2 (leucine rich repeat kinase 2; plus strand). Cytogenetic location: 12q12.
Variant type: single nucleotide variant.
Coding change: c.5570C>T on transcript NM_198578.4 (MANE Select); coding-DNA position 5570, C replaced by T.
Protein change: p.Pro1857Leu; replaces proline 1857 with leucine.
Molecular consequence: missense variant.
Genome position (GRCh38, 1-based): chr12:40,323,220, C>T. VCF-style: chr12-40323220-C-T. GRCh37 (hg19) VCF-style: chr12-40717022-C-T.
Other names: short protein forms P1857L.
Identifiers: ClinVar variation 3229702 (VCV003229702.1), dbSNP rs2499889022, ClinGen allele CA384421074.
Genomic context (GRCh38, chr12:40,323,220, plus strand): 5'-GAGATCTCTTAGTAAATCCAGATCAACCAAGGCTCACCATTCCAATATCTCAGATTGCCC[C>T]TGACTTGATTTTGGCTGACCTGCCTAGAAATATTATGTTGAATAATGATGAGTTGGAATT-3'
Protein context (NP_940980.4, residues 1847-1867): RLTIPISQIA[Pro1857Leu]DLILADLPRN